The following is an entry in ClinVar:

ClinVar aggregate classification (germline): Pathogenic (1 of 4 stars; one submission).

Conditions:
Alagille syndrome due to a JAG1 point mutation. Also called: Alagille Syndrome 1; HEPATIC DUCTULAR HYPOPLASIA, SYNDROMATIC; JAG1-Related Alagille Syndrome. Identifiers: Orphanet 261619, Orphanet 52, MedGen C1956125, MONDO:0016862, OMIM 118450.

Submission:

Labcorp Genetics (formerly Invitae), Labcorp
Classification: Pathogenic for Alagille syndrome 1. Last evaluated: 2019-04-27. Review status: criteria provided, single submitter. Criteria: Invitae Variant Classification Sherloc (09022015). Collection method: clinical testing. Allele origin: germline.
Comment: This sequence change creates a premature translational stop signal (p.Asp877Glyfs*2) in the JAG1 gene. It is expected to result in an absent or disrupted protein product. This variant is not present in population databases (ExAC no frequency). This variant has not been reported in the literature in individuals with JAG1-related conditions. Loss-of-function variants in JAG1 are known to be pathogenic (PMID: 11180599). For these reasons, this variant has been classified as Pathogenic.

NM_000214.3(JAG1):c.2629dup (p.Asp877fs)

Gene: JAG1 (jagged canonical Notch ligand 1; minus strand). Cytogenetic location: 20p12.2.
Variant type: Duplication.
Coding change: c.2629dup on transcript NM_000214.3 (MANE Select); coding-DNA position 2629, one base duplicated (G; older notation c.2629dupG).
Protein change: p.Asp877fs; shifts the reading frame from aspartic acid 877.
Molecular consequence: frameshift variant.
Genome position (GRCh38, 1-based): chr20:10,641,836, C duplicated on the plus strand (G on the coding strand, the reverse complement: JAG1 is on the minus strand); the first of 3 consecutive C bases (chr20:10,641,836-10,641,838); duplicating any one gives the same sequence. VCF-style (leftmost placement, unchanged base first): chr20-10641835-T-TC. GRCh37 (hg19) VCF-style: chr20-10622483-T-TC.
Other names: short protein forms D877fs.
Identifiers: ClinVar variation 946023 (VCV000946023.1), dbSNP rs2067274453, ClinGen allele CA1139666652.
Genomic context (GRCh38, chr20:10,641,835, plus strand): 5'-TGTCCTACCTTTGAGCAGGCGATCCGTCCATTCAGGCACTGGCAGGTATTACAGTCATCA[T>TC]CCCATTTGGCCCCATCTGGTATCACACTCCCCATGGTGATGCAAGGTCTCCCTGAAACTG-3'